The following is an entry in ClinVar:

ClinVar aggregate classification (germline): Benign. Review status: criteria provided, multiple submitters, no conflicts (2 of 4 stars). 12 submissions from 12 submitters: Benign (9). 3 of the submissions do not count toward it. Last evaluated 2026-05-18.

Conditions:
Bardet-Biedl syndrome 12 (BBS12). Identifiers: Orphanet 110, MedGen C1859570, MONDO:0014440, OMIM 615989.
Bardet-Biedl syndrome (BBS). Identifiers: Orphanet 110, MedGen C0752166, MONDO:0015229.

Allele frequency attached by ClinVar (database versions not stated): ESP Exome Variant Server 0.10664; gnomAD exomes 0.12727 and 0.20902; gnomAD 0.13826 and 0.15179; TOPMed 0.16992; ExAC 0.20029; 1000 Genomes Project 30x 0.29435; 1000 Genomes Project 0.30052.
gnomAD v4.1: 211,681 of 1,613,970 alleles (13%); highest among the groups gnomAD compares: East Asian, 67%; 26,699 homozygotes.

Submissions (12):

Women's Health and Genetics/Laboratory Corporation of America, LabCorp
Classification: Benign. Last evaluated: 2026-05-18. Review status: criteria provided, single submitter. Criteria: LabCorp Variant Classification Summary - May 2015. Collection method: clinical testing. Allele origin: germline.

Labcorp Genetics (formerly Invitae), Labcorp
Classification: Benign for Bardet-Biedl syndrome. Last evaluated: 2026-02-04. Review status: criteria provided, single submitter. Criteria: Invitae Variant Classification Sherloc (09022015). Collection method: clinical testing. Allele origin: germline.

Blueprint Genetics
Classification: Benign. Last evaluated: 2024-11-27. Review status: criteria provided, single submitter. Criteria: ACMG Guidelines, 2015. Collection method: clinical testing. Allele origin: germline.

Mayo Clinic Laboratories, Mayo Clinic
Classification: Benign. Last evaluated: 2022-03-09. Review status: criteria provided, single submitter. Criteria: ACMG Guidelines, 2015. Collection method: clinical testing. Allele origin: germline. Observed: 22 variant alleles.

Pars Genome Lab
Classification: Benign for Bardet-Biedl syndrome 12. Last evaluated: 2021-06-15. Review status: criteria provided, single submitter. Criteria: ACMG Guidelines, 2015. Collection method: clinical testing. Allele origin: germline. Affected: no.

GeneDx
Classification: Benign. Last evaluated: 2018-11-10. Review status: criteria provided, single submitter. Criteria: GeneDx Variant Classification Process June 2021. Collection method: clinical testing. Allele origin: germline. Affected: yes.

Illumina Laboratory Services, Illumina
Classification: Benign for Bardet-Biedl syndrome 12. Last evaluated: 2018-01-12. Review status: criteria provided, single submitter. Criteria: ICSL Variant Classification Criteria 13 December 2019. Collection method: clinical testing. Allele origin: germline.
Comment: This variant was observed in the ICSL laboratory as part of a predisposition screen in an ostensibly healthy population. It had not been previously curated by ICSL or reported in the Human Gene Mutation Database (HGMD: prior to June 1st, 2018), and was therefore a candidate for classification through an automated scoring system. Utilizing variant allele frequency, disease prevalence and penetrance estimates, and inheritance mode, an automated score was calculated to assess if this variant is too frequent to cause the disease. Based on the score and internal cut-off values, a variant classified as benign is not then subjected to further curation. The score for this variant resulted in a classification of benign for this disease.

Breakthrough Genomics
Classification: Benign. Review status: criteria provided, single submitter. Criteria: ACMG Guidelines, 2015. Collection method: not provided. Allele origin: germline. Inheritance: Autosomal recessive inheritance. Affected: yes.

PreventionGenetics, part of Exact Sciences
Classification: Benign. Review status: criteria provided, single submitter. Criteria: ACMG Guidelines, 2015. Collection method: clinical testing. Allele origin: germline.

Natera, Inc.
Classification: Benign for Bardet-Biedl syndrome type 12. Last evaluated: 2020-09-16. Review status: no assertion criteria provided. Collection method: clinical testing. Allele origin: germline. Not counted in ClinVar's aggregate classification.

Clinical Genetics DNA and cytogenetics Diagnostics Lab, Erasmus MC, Erasmus Medical Center
Classification: Benign. Review status: no assertion criteria provided. Collection method: clinical testing. Allele origin: germline. Affected: yes. Study: VKGL Data-share Consensus. Not counted in ClinVar's aggregate classification.

Joint Genome Diagnostic Labs from Nijmegen and Maastricht, Radboudumc and MUMC+
Classification: Benign. Review status: no assertion criteria provided. Collection method: clinical testing. Allele origin: germline. Affected: yes. Study: VKGL Data-share Consensus. Not counted in ClinVar's aggregate classification.

NM_152618.3(BBS12):c.1398C>T (p.Gly466=)

Gene: BBS12 (Bardet-Biedl syndrome 12; plus strand). Cytogenetic location: 4q27.
Variant type: single nucleotide variant.
Coding change: c.1398C>T on transcript NM_152618.3 (MANE Select); coding-DNA position 1398, C replaced by T.
Protein change: p.Gly466=; no amino-acid change (glycine 466 retained).
Molecular consequence: synonymous variant.
Genome position (GRCh38, 1-based): chr4:122,743,290, C>T. VCF-style: chr4-122743290-C-T. GRCh37 (hg19) VCF-style: chr4-123664445-C-T.
Other names: p.Gly466=; c.1398C>T, p.Gly466= (NM_001178007.2).
Identifiers: ClinVar variation 262672 (VCV000262672.28), dbSNP rs2292493, ClinGen allele CA3069440.